The following is an entry in ClinVar:

NM_002691.4(POLD1):c.293A>T (p.Gln98Leu)

Gene: POLD1 (DNA polymerase delta 1, catalytic subunit; plus strand). Cytogenetic location: 19q13.33.
Variant type: single nucleotide variant.
Coding change: c.293A>T on transcript NM_002691.4 (MANE Select); coding-DNA position 293, A replaced by T.
Protein change: p.Gln98Leu; replaces glutamine 98 with leucine.
Molecular consequence: missense variant. On other transcripts: non-coding transcript variant (1).
Genome position (GRCh38, 1-based): chr19:50,399,461, A>T. VCF-style: chr19-50399461-A-T. GRCh37 (hg19) VCF-style: chr19-50902718-A-T.
Other names: c.293A>T, p.Gln98Leu (NM_001256849.1, NM_001308632.1); short protein forms Q98L.
Identifiers: ClinVar variation 1797894 (VCV001797894.3), dbSNP rs2513937621, ClinGen allele CA406970620.

ClinVar aggregate classification (germline): Uncertain significance (1 of 4 stars; one submission).

Conditions:
Hereditary cancer-predisposing syndrome. Also called: Neoplastic Syndromes, Hereditary; Tumor predisposition; Hereditary Cancer Syndrome; Hereditary neoplastic syndrome. Identifiers: Orphanet 140162, MedGen C0027672, MeSH D009386, MONDO:0015356.

Submission:

Ambry Genetics
Classification: Uncertain significance for Hereditary cancer-predisposing syndrome. Last evaluated: 2025-06-10. Review status: criteria provided, single submitter. Criteria: Ambry Variant Classification Scheme 2023. Collection method: clinical testing. Allele origin: germline.
Comment: The p.Q98L variant (also known as c.293A>T), located in coding exon 2 of the POLD1 gene, results from an A to T substitution at nucleotide position 293. The glutamine at codon 98 is replaced by leucine, an amino acid with dissimilar properties. This amino acid position is conserved. In addition, the in silico prediction for this alteration is inconclusive. Since supporting evidence is limited at this time, the clinical significance of this alteration remains unclear.